The following is an entry in ClinVar:

ClinVar aggregate classification (germline): Uncertain significance. Review status: criteria provided, multiple submitters, no conflicts (2 of 4 stars). 3 submissions from 3 submitters: Uncertain significance (3). Last evaluated 2026-04-16.

Conditions:
Autoimmune lymphoproliferative syndrome type 2A (ALPS2A). Also called: AUTOIMMUNE LYMPHOPROLIFERATIVE SYNDROME, TYPE IIA; CASP10-Related Autoimmune Lymphoproliferative Syndrome; Autoimmune lymphoproliferative syndrome type 2. Identifiers: Orphanet 3261, MedGen C1858968, MONDO:0011383, OMIM 603909.
CASP10-related disorder. Also called: CASP10-related condition.

Allele frequency attached by ClinVar (database versions not stated): ESP Exome Variant Server 0.00038; ExAC 0.00007; gnomAD exomes 0.00008 and 0.00013; gnomAD 0.00009 and 0.00010; TOPMed 0.00009.
gnomAD v4.1: 217 of 1,613,934 alleles (0.013%); highest among the groups gnomAD compares: Non-Finnish European, 0.017%; no homozygotes.

Submissions (3):

PreventionGenetics, part of Exact Sciences
Classification: Uncertain significance for CASP10-related condition. Last evaluated: 2026-04-16. Review status: criteria provided, single submitter. Criteria: ACMG Guidelines, 2015. Collection method: clinical testing. Allele origin: germline.
Comment: The CASP10 c.1537T>C variant is predicted to result in the amino acid substitution p.Phe513Leu. To our knowledge, this variant has not been reported in the literature. This variant is reported in 0.015% of alleles in individuals of European (Non-Finnish) descent in gnomAD. At this time, the clinical significance of this variant is uncertain due to the absence of conclusive functional and genetic evidence.

Labcorp Genetics (formerly Invitae), Labcorp
Classification: Uncertain significance for Autoimmune lymphoproliferative syndrome type 2A. Last evaluated: 2025-10-13. Review status: criteria provided, single submitter. Criteria: Invitae Variant Classification Sherloc (09022015). Collection method: clinical testing. Allele origin: germline.
Comment: This sequence change replaces phenylalanine, which is neutral and non-polar, with leucine, which is neutral and non-polar, at codon 513 of the CASP10 protein (p.Phe513Leu). This variant is present in population databases (rs143632134, gnomAD 0.02%). This variant has not been reported in the literature in individuals affected with CASP10-related conditions. ClinVar contains an entry for this variant (Variation ID: 953712). An algorithm developed to predict the effect of missense changes on protein structure and function (PolyPhen-2) suggests that this variant is likely to be disruptive. In summary, the available evidence is currently insufficient to determine the role of this variant in disease. Therefore, it has been classified as a Variant of Uncertain Significance.

Department of Pathology and Laboratory Medicine, Sinai Health System
Classification: Uncertain significance for autoimmune lymphoproliferative syndrome type 2A. Last evaluated: 2021-08-30. Review status: criteria provided, single submitter. Criteria: ACMG Guidelines, 2015. Collection method: research. Allele origin: germline.

NM_032977.4(CASP10):c.1537T>C (p.Phe513Leu)

Gene: CASP10 (caspase 10; plus strand). Cytogenetic location: 2q33.1.
Variant type: single nucleotide variant.
Coding change: c.1537T>C on transcript NM_032977.4 (MANE Select); coding-DNA position 1537, T replaced by C.
Protein change: p.Phe513Leu; replaces phenylalanine 513 with leucine.
Molecular consequence: missense variant. On other transcripts: 3 prime UTR variant (1), intron variant (2).
Genome position (GRCh38, 1-based): chr2:201,217,709, T>C. VCF-style: chr2-201217709-T-C. GRCh37 (hg19) VCF-style: chr2-202082432-T-C.
Other names: c.1336T>C, p.Phe446Leu (NM_001206524.2); c.1408T>C, p.Phe470Leu (NM_001230.5); c.*623T>C (NM_032976.4); c.1415+8147T>C (NM_032974.5); c.1286+8147T>C (NM_001206542.2); short protein forms F446L, F470L, F513L.
Identifiers: ClinVar variation 953712 (VCV000953712.14), dbSNP rs143632134, ClinGen allele CA2053287.
Genomic context (GRCh38, chr2:201,217,709, plus strand): 5'-AAACAGGGAACAAAGAAACAGATGCCCCAGCCTGCTTTCACACTAAGGAAAAAACTAGTA[T>C]TCCCTGTGCCCCTGGATGCACTTTCATTATAGCAGAGAGTTTTTGTTGGTTCTTAGACCT-3'
Protein context (NP_116759.2, residues 503-522): PAFTLRKKLV[Phe513Leu]PVPLDALSL